The following is an entry in ClinVar:

NM_000443.4(ABCB4):c.1280T>C (p.Leu427Pro)

Gene: ABCB4 (ATP binding cassette subfamily B member 4; minus strand). Cytogenetic location: 7q21.12.
Variant type: single nucleotide variant.
Coding change: c.1280T>C on transcript NM_000443.4 (MANE Select); coding-DNA position 1280, T replaced by C.
Protein change: p.Leu427Pro; replaces leucine 427 with proline.
Molecular consequence: missense variant.
Genome position (GRCh38, 1-based): chr7:87,443,395, A>G on the plus strand (T>C on the coding strand, the complement: ABCB4 is on the minus strand). VCF-style: chr7-87443395-A-G. GRCh37 (hg19) VCF-style: chr7-87072711-A-G.
Other names: c.1280T>C, p.Leu427Pro (NM_018849.3, NM_018850.3); short protein forms L427P.
Identifiers: ClinVar variation 4846535 (VCV004846535.1).

ClinVar aggregate classification (germline): Uncertain significance (1 of 4 stars; one submission).

Conditions:
Low phospholipid associated cholelithiasis (GBD1). Also called: Gallbladder disease 1; Gallstone cholecystitis. Identifiers: Orphanet 69663, MedGen C2609268, MONDO:0010939, OMIM 600803.

Submission:

Genomenon, Inc
Classification: Uncertain significance for Low phospholipid associated cholelithiasis. Last evaluated: 2026-04-14. Review status: criteria provided, single submitter. Criteria: Genomenon Sequence Variant Interpretation Standards - Updated. Collection method: curation. Allele origin: germline. Affected: yes.
Comment: ABCB4 p.Leu427Pro (c.1280T>C) is a missense variant that changes the amino acid at residue 427 from Leucine to Proline. This variant has been observed in at least one proband with an ABCB4-related disorder (PMID:30449124). It is absent or not present at a significant frequency in gnomAD. In silico models predict that this variant is possibly or probably damaging. In conclusion, we classify ABCB4 p.Leu427Pro (c.1280T>C) as a variant of uncertain significance.

Literature cited by the submitters: PubMed 30449124.